The following is an entry in ClinVar:

ClinVar aggregate classification (germline): Likely pathogenic. Review status: criteria provided, multiple submitters, no conflicts (2 of 4 stars). 2 submissions from 2 submitters: Likely pathogenic (2). Last evaluated 2025-09-01.

Conditions:
Autoinflammatory disease, familial, Behcet-like-3. Also called: Mucocutaneous ulceration, chronic. Identifiers: Orphanet 596759, MedGen C4748997, MONDO:0032659, OMIM 618287.

Submissions (2):

CeGaT Center for Human Genetics Tuebingen
Classification: Likely pathogenic. Last evaluated: 2025-09-01. Review status: criteria provided, single submitter. Criteria: CeGaT Center For Human Genetics Tuebingen Variant Classification Criteria Version 2. Collection method: clinical testing. Allele origin: germline. Affected: yes. Observed: 1 variant allele.
Comment: RELA: PVS1:Strong, PM2

Institute of Medical Genetics and Applied Genomics, University Hospital Tübingen
Classification: Likely pathogenic for Autoinflammatory disease, familial, Behcet-like-3. Last evaluated: 2025-07-24. Review status: criteria provided, single submitter. Criteria: ACMG Guidelines, 2015. Collection method: clinical testing. Allele origin: germline. Inheritance: Autosomal dominant inheritance. Affected: yes.

NM_021975.4(RELA):c.261_262dup (p.His88fs)

Gene: RELA (RELA proto-oncogene, NF-kB subunit; minus strand). Cytogenetic location: 11q13.1.
Variant type: Duplication.
Coding change: c.261_262dup on transcript NM_021975.4 (MANE Select); coding-DNA positions 261 to 262, 2 bases duplicated (CC; older notation c.261_262dupCC).
Protein change: p.His88fs; shifts the reading frame from histidine 88.
Molecular consequence: frameshift variant. On other transcripts: 5 prime UTR variant (1).
Genome position (GRCh38, 1-based): chr11:65,661,760-65,661,761, GG duplicated on the plus strand (CC on the coding strand, the reverse complement: RELA is on the minus strand); duplicating any 2 consecutive bases within chr11:65,661,760-65,661,764 gives the same sequence; the c. name uses the placement nearest the transcript's 3' end. VCF-style (leftmost placement, unchanged base first): chr11-65661759-T-TGG. GRCh37 (hg19) VCF-style: chr11-65429230-T-TGG.
Other names: c.261_262dup, p.His88fs (NM_001145138.2, NM_001243984.2, NM_001243985.2 and 2 more transcripts); c.294_295dup, p.His99fs (NM_001404657.1); c.234_235dup, p.His79fs (NM_001404658.1); c.-29_-28dup (NM_001404661.1); c.168_169dup, p.His57fs (NM_001404662.1, NM_001404663.1); short protein forms H57fs, H79fs, H88fs, H99fs.
Identifiers: ClinVar variation 4070953 (VCV004070953.8).
Genomic context (GRCh38, chr11:65,661,759, plus strand): 5'-CGGTCCGGGCAGAGCTCAGCCTCATAGAAGCCATCCCGGCAGTCCTTTCCTACAAGCTCG[T>TGG]GGGGGTGAGGCCGGTGAGGAGGGTCCTTGGTGACCAGGGAGATGCGCACTGTCCCTGGTC-3'